The following is an entry in ClinVar:

ClinVar aggregate classification (germline): Uncertain significance. Review status: criteria provided, multiple submitters, no conflicts (2 of 4 stars). 2 submissions from 2 submitters: Uncertain significance (2). Last evaluated 2023-02-13.

Submissions (2):

GeneDx
Classification: Uncertain significance. Last evaluated: 2023-02-13. Review status: criteria provided, single submitter. Criteria: GeneDx Variant Classification Process June 2021. Collection method: clinical testing. Allele origin: germline. Affected: yes.
Comment: Not observed at significant frequency in large population cohorts (gnomAD); In silico analysis supports that this missense variant does not alter protein structure/function; Has not been previously published as pathogenic or benign to our knowledge

Mayo Clinic Laboratories, Mayo Clinic
Classification: Uncertain significance. Last evaluated: 2021-09-07. Review status: criteria provided, single submitter. Criteria: ACMG Guidelines, 2015. Collection method: clinical testing. Allele origin: germline.

NM_000218.3(KCNQ1):c.1682G>A (p.Arg561Lys)

Gene: KCNQ1 (potassium voltage-gated channel subfamily Q member 1; plus strand). Cytogenetic location: 11p15.5.
Variant type: single nucleotide variant.
Coding change: c.1682G>A on transcript NM_000218.3 (MANE Select); coding-DNA position 1682, G replaced by A.
Protein change: p.Arg561Lys; replaces arginine 561 with lysine.
Molecular consequence: missense variant.
Genome position (GRCh38, 1-based): chr11:2,776,051, G>A. VCF-style: chr11-2776051-G-A. GRCh37 (hg19) VCF-style: chr11-2797281-G-A.
Other names: p.R561K:AGG>AAG; p.Arg561Lys; c.1586G>A, p.Arg529Lys (NM_001406836.1); c.1412G>A, p.Arg471Lys (NM_001406837.1); c.1142G>A, p.Arg381Lys (NM_001406838.1); c.1301G>A, p.Arg434Lys (NM_181798.2); short protein forms R434K, R561K, R471K, R381K, R529K.
Identifiers: ClinVar variation 200854 (VCV000200854.8), dbSNP rs794728534, ClinGen allele CA006165.